The following is an entry in ClinVar:

NM_024408.4(NOTCH2):c.5945A>G (p.His1982Arg)

Gene: NOTCH2 (notch receptor 2; minus strand). Cytogenetic location: 1p12.
Variant type: single nucleotide variant.
Coding change: c.5945A>G on transcript NM_024408.4 (MANE Select); coding-DNA position 5945, A replaced by G.
Protein change: p.His1982Arg; replaces histidine 1982 with arginine.
Molecular consequence: missense variant.
Genome position (GRCh38, 1-based): chr1:119,917,747, T>C on the plus strand (A>G on the coding strand, the complement: NOTCH2 is on the minus strand). VCF-style: chr1-119917747-T-C. GRCh37 (hg19) VCF-style: chr1-120460370-T-C.
Other names: short protein forms H1982R.
Identifiers: ClinVar variation 532027 (VCV000532027.1), dbSNP rs1553193747, ClinGen allele CA341882050.

ClinVar aggregate classification (germline): Uncertain significance (1 of 4 stars; one submission).

Conditions:
Hajdu-Cheney syndrome (HJCYS). Also called: SERPENTINE FIBULA-POLYCYSTIC KIDNEY SYNDROME; ACROOSTEOLYSIS WITH OSTEOPOROSIS AND CHANGES IN SKULL AND MANDIBLE; Acroosteolysis dominant type. Identifiers: Orphanet 955, MedGen C0917715, MONDO:0007057, OMIM 102500.

Submission:

Labcorp Genetics (formerly Invitae), Labcorp
Classification: Uncertain significance for Hajdu-Cheney syndrome. Last evaluated: 2017-11-01. Review status: criteria provided, single submitter. Criteria: Invitae Variant Classification Sherloc (09022015). Collection method: clinical testing. Allele origin: germline.
Comment: This sequence change replaces histidine with arginine at codon 1982 of the NOTCH2 protein (p.His1982Arg). The histidine residue is highly conserved and there is a small physicochemical difference between histidine and arginine. This variant is not present in population databases (ExAC no frequency). This variant has not been reported in the literature in individuals with NOTCH2-related disease. Algorithms developed to predict the effect of missense changes on protein structure and function (SIFT, PolyPhen-2, Align-GVGD) all suggest that this variant is likely to be disruptive, but these predictions have not been confirmed by published functional studies and their clinical significance is uncertain. In summary, the available evidence is currently insufficient to determine the role of this variant in disease. Therefore, it has been classified as a Variant of Uncertain Significance.